The following is an entry in ClinVar:

ClinVar aggregate classification (germline): Benign/Likely benign. Review status: criteria provided, multiple submitters, no conflicts (2 of 4 stars). 11 submissions from 10 submitters: Benign (6); Likely benign (5). Last evaluated 2026-02-03.

Conditions:
Hereditary leiomyomatosis and renal cell cancer. Also called: MULTIPLE CUTANEOUS AND UTERINE LEIOMYOMATA 1, WITH OR WITHOUT RENAL CELL CARCINOMA; LEIOMYOMA, MULTIPLE CUTANEOUS; Familial leiomyomatosis; Multiple cutaneous leiomyomas; Reed syndrome; Multiple cutaneous and uterine leiomyomatosis. Identifiers: Orphanet 523, MedGen C1708350, MONDO:0007888, OMIM 150800, HP:0007437. Disease mechanism: loss of function.
Fumarase deficiency (FMRD). Also called: Fumarate Hydratase Deficiency; Fumaric aciduria. Identifiers: Orphanet 24, MedGen C0342770, MONDO:0011730, OMIM 606812.

Allele frequency attached by ClinVar (database versions not stated): gnomAD 0.00013; TOPMed 0.00014; gnomAD exomes 0.00069; ExAC 0.00102; 1000 Genomes Project 30x 0.00125; 1000 Genomes Project 0.00160.

Submissions (11):

Labcorp Genetics (formerly Invitae), Labcorp
Classification: Benign. Last evaluated: 2026-02-03. Review status: criteria provided, single submitter. Criteria: Invitae Variant Classification Sherloc (09022015). Collection method: clinical testing. Allele origin: germline.

Women's Health and Genetics/Laboratory Corporation of America, LabCorp
Classification: Benign. Last evaluated: 2025-10-10. Review status: criteria provided, single submitter. Criteria: LabCorp Variant Classification Summary - May 2015. Collection method: clinical testing. Allele origin: germline.

Quest Diagnostics Nichols Institute San Juan Capistrano
Classification: Benign. Last evaluated: 2025-09-19. Review status: criteria provided, single submitter. Criteria: Quest Diagnostics criteria. Collection method: clinical testing. Allele origin: unknown.

Center for Genomic Medicine, Rigshospitalet, Copenhagen University Hospital
Classification: Likely benign. Last evaluated: 2025-03-04. Review status: criteria provided, single submitter. Criteria: ACMG Guidelines, 2015. Collection method: clinical testing. Allele origin: germline.

Blueprint Genetics
Classification: Likely benign. Last evaluated: 2024-11-25. Review status: criteria provided, single submitter. Criteria: ACMG Guidelines, 2015. Collection method: clinical testing. Allele origin: germline.

Myriad Genetics, Inc.
Classification: Benign for Hereditary leiomyomatosis and renal cell cancer. Last evaluated: 2024-09-11. Review status: criteria provided, single submitter. Criteria: Myriad Autosomal Dominant, Autosomal Recessive and X-Linked Classification Criteria (2023). Collection method: clinical testing. Allele origin: unknown.
Comment: This variant is considered benign. This variant is intronic and is not expected to impact mRNA splicing. This variant has been observed at a population frequency that is significantly greater than expected given the associated disease prevalence and penetrance.

KCCC/NGS Laboratory, Kuwait Cancer Control Center
Classification: Benign for Hereditary leiomyomatosis and renal cell cancer. Last evaluated: 2023-07-07. Review status: criteria provided, single submitter. Criteria: ACMG Guidelines, 2015. Collection method: clinical testing. Allele origin: germline. Affected: yes.

GeneDx
Classification: Likely benign. Last evaluated: 2020-08-05. Review status: criteria provided, single submitter. Criteria: GeneDx Variant Classification Process June 2021. Collection method: clinical testing. Allele origin: germline. Affected: yes.

Illumina Laboratory Services, Illumina
Classification: Likely benign for Fumarase deficiency. Last evaluated: 2018-01-12. Review status: criteria provided, single submitter. Criteria: ICSL Variant Classification Criteria 13 December 2019. Collection method: clinical testing. Allele origin: germline.
Comment: This variant was observed in the ICSL laboratory as part of a predisposition screen in an ostensibly healthy population. It had not been previously curated by ICSL or reported in the Human Gene Mutation Database (HGMD: prior to June 1st, 2018), and was therefore a candidate for classification through an automated scoring system. Utilizing variant allele frequency, disease prevalence and penetrance estimates, and inheritance mode, an automated score was calculated to assess if this variant is too frequent to cause the disease. Based on the score and internal cut-off values, a variant classified as likely benign is not then subjected to further curation. The score for this variant resulted in a classification of likely benign for this disease.

Illumina Laboratory Services, Illumina
Classification: Benign for Hereditary leiomyomatosis and renal cell cancer. Last evaluated: 2018-01-12. Review status: criteria provided, single submitter. Criteria: ICSL Variant Classification Criteria 13 December 2019. Collection method: clinical testing. Allele origin: germline.
Comment: This variant was observed in the ICSL laboratory as part of a predisposition screen in an ostensibly healthy population. It had not been previously curated by ICSL or reported in the Human Gene Mutation Database (HGMD: prior to June 1st, 2018), and was therefore a candidate for classification through an automated scoring system. Utilizing variant allele frequency, disease prevalence and penetrance estimates, and inheritance mode, an automated score was calculated to assess if this variant is too frequent to cause the disease. Based on the score and internal cut-off values, a variant classified as benign is not then subjected to further curation. The score for this variant resulted in a classification of benign for this disease.

PreventionGenetics, part of Exact Sciences
Classification: Likely benign. Review status: criteria provided, single submitter. Criteria: ACMG Guidelines, 2015. Collection method: clinical testing. Allele origin: germline.

NM_000143.4(FH):c.739-10T>C

Gene: FH (fumarate hydratase; minus strand). Cytogenetic location: 1q43.
Variant type: single nucleotide variant.
Coding change: c.739-10T>C on transcript NM_000143.4 (MANE Select); 10 bases into the intron before coding-DNA position 739, T replaced by C.
Molecular consequence: intron variant.
Genome position (GRCh38, 1-based): chr1:241,506,178, A>G on the plus strand (T>C on the coding strand, the complement: FH is on the minus strand). VCF-style: chr1-241506178-A-G. GRCh37 (hg19) VCF-style: chr1-241669478-A-G.
Identifiers: ClinVar variation 237118 (VCV000237118.28), dbSNP rs201971572, ClinGen allele CA1478618.